The following is an entry in ClinVar:

ClinVar aggregate classification (germline): Uncertain significance. Review status: criteria provided, multiple submitters, no conflicts (2 of 4 stars). 2 submissions from 2 submitters: Uncertain significance (2). Last evaluated 2025-10-20.

Conditions:
Brain small vessel disease 1 with or without ocular anomalies (BSVD1). Also called: GOULD SYNDROME 1; PORENCEPHALY, TYPE 1, AUTOSOMAL DOMINANT; BRAIN SMALL VESSEL DISEASE WITH HEMORRHAGE; Brain small vessel disease with or without ocular anomalies. Identifiers: Orphanet 2940, Orphanet 36383, Orphanet 99810, MedGen C4755307, MONDO:0008289, OMIM 175780.
Microangiopathy and leukoencephalopathy, pontine, autosomal dominant. Also called: DEMENTIA, HEREDITARY MULTI-INFARCT, SWEDISH TYPE; Pontine autosomal dominant microangiopathy with leukoencephalopathy. Identifiers: Orphanet 477749, MedGen C5231411, MONDO:0032814, OMIM 618564.
Hemorrhage, intracerebral, susceptibility to (ICH). Also called: Stroke, hemorrhagic, susceptibility to. Identifiers: MedGen C3281105, MONDO:0100533, OMIM 614519.
Autosomal dominant familial hematuria-retinal arteriolar tortuosity-contractures syndrome. Also called: Angiopathy, hereditary, with nephropathy, aneurysms, and muscle cramps; Hereditary Angiopathy with Nephropathy, Aneurysms, and Muscle Cramps (HANAC) Syndrome. Identifiers: Orphanet 73229, MedGen C2673195, MONDO:0012726, OMIM 611773.
Retinal arterial tortuosity. Also called: RETINAL HEMORRHAGE WITH VASCULAR TORTUOSITY; Retinal arteries, tortuosity of. Identifiers: Orphanet 75326, MedGen C0423401, MONDO:0008373, OMIM 180000, HP:0000631.

Allele frequency attached by ClinVar (database versions not stated): gnomAD 0.00001; TOPMed 0.00001; gnomAD exomes below 0.00001.
gnomAD v4.1: 3 of 1,613,972 alleles (0.00019%); highest among the groups gnomAD compares: Admixed American, 0.0033%; no homozygotes.

Submissions (2):

Labcorp Genetics (formerly Invitae), Labcorp
Classification: Uncertain significance. Last evaluated: 2025-10-20. Review status: criteria provided, single submitter. Criteria: Invitae Variant Classification Sherloc (09022015). Collection method: clinical testing. Allele origin: germline.
Comment: This sequence change replaces alanine, which is neutral and non-polar, with valine, which is neutral and non-polar, at codon 381 of the COL4A1 protein (p.Ala381Val). This variant is present in population databases (no rsID available, gnomAD 0.003%). This variant has not been reported in the literature in individuals affected with COL4A1-related conditions. ClinVar contains an entry for this variant (Variation ID: 1447139). Invitae Evidence Modeling of protein sequence and biophysical properties (such as structural, functional, and spatial information, amino acid conservation, physicochemical variation, residue mobility, and thermodynamic stability) indicates that this missense variant is not expected to disrupt COL4A1 protein function with a negative predictive value of 95%. In summary, the available evidence is currently insufficient to determine the role of this variant in disease. Therefore, it has been classified as a Variant of Uncertain Significance.

Fulgent Genetics
Classification: Uncertain significance for Brain small vessel disease 1 with or without ocular anomalies; Retinal arterial tortuosity; Autosomal dominant familial hematuria-retinal arteriolar tortuosity-contractures syndrome; Hemorrhage, intracerebral, susceptibility to; Microangiopathy and leukoencephalopathy, pontine, autosomal dominant. Last evaluated: 2024-04-12. Review status: criteria provided, single submitter. Criteria: ACMG Guidelines, 2015. Collection method: clinical testing. Allele origin: germline.

NM_001845.6(COL4A1):c.1142C>T (p.Ala381Val)

Gene: COL4A1 (collagen type IV alpha 1 chain; minus strand). Cytogenetic location: 13q34.
Variant type: single nucleotide variant.
Coding change: c.1142C>T on transcript NM_001845.6 (MANE Select); coding-DNA position 1142, C replaced by T.
Protein change: p.Ala381Val; replaces alanine 381 with valine.
Molecular consequence: missense variant.
Genome position (GRCh38, 1-based): chr13:110,198,610, G>A on the plus strand (C>T on the coding strand, the complement: COL4A1 is on the minus strand). VCF-style: chr13-110198610-G-A. GRCh37 (hg19) VCF-style: chr13-110850957-G-A.
Other names: c.1142C>T, p.Ala381Val (NM_001303110.2); short protein forms A381V.
Identifiers: ClinVar variation 1447139 (VCV001447139.7), dbSNP rs1200679947, ClinGen allele CA388724171.
Genomic context (GRCh38, chr13:110,198,610, plus strand): 5'-GTACCAGGAAATCCTCGGTCACCTTTTTCTCCTCTTTCACCAGGGAAGCCAGGGGCACCA[G>A]CCTGCCCAGGTACAGGGAGGCCTGCAACCAGACAGAAGCTCACATCAGTAACCTCAGGGC-3'
Protein context (NP_001836.3, residues 371-391): GPPGLPVPGQ[Ala381Val]GAPGFPGERG